The following is an entry in ClinVar:

NM_001378418.1(TCF20):c.4320C>T (p.Ser1440=)

Gene: TCF20 (transcription factor 20; minus strand). Cytogenetic location: 22q13.2.
Variant type: single nucleotide variant.
Coding change: c.4320C>T on transcript NM_001378418.1 (MANE Select); coding-DNA position 4320, C replaced by T.
Protein change: p.Ser1440=; no amino-acid change (serine 1440 retained).
Molecular consequence: synonymous variant.
Genome position (GRCh38, 1-based): chr22:42,210,986, G>A on the plus strand (C>T on the coding strand, the complement: TCF20 is on the minus strand). VCF-style: chr22-42210986-G-A. GRCh37 (hg19) VCF-style: chr22-42606992-G-A.
Other names: c.4320C>T, p.Ser1440= (NM_005650.4, NM_181492.3).
Identifiers: ClinVar variation 1650669 (VCV001650669.16), dbSNP rs142237336, ClinGen allele CA10266663.

ClinVar aggregate classification (germline): Benign/Likely benign. Review status: criteria provided, multiple submitters, no conflicts (2 of 4 stars). 2 submissions from 2 submitters: Benign (1); Likely benign (1). Last evaluated 2026-02-03.

Allele frequency attached by ClinVar (database versions not stated): TOPMed 0.00011; ESP Exome Variant Server 0.00015; gnomAD exomes 0.00032 and 0.00079; gnomAD 0.00036 and 0.00037; 1000 Genomes Project 30x 0.00047; 1000 Genomes Project 0.00060; ExAC 0.00092.
gnomAD v4.1: 565 of 1,614,030 alleles (0.035%); highest among the groups gnomAD compares: South Asian, 0.031%; 5 homozygotes.

Submissions (2):

Labcorp Genetics (formerly Invitae), Labcorp
Classification: Benign. Last evaluated: 2026-02-03. Review status: criteria provided, single submitter. Criteria: Invitae Variant Classification Sherloc (09022015). Collection method: clinical testing. Allele origin: germline.

CeGaT Center for Human Genetics Tuebingen
Classification: Likely benign. Last evaluated: 2025-08-01. Review status: criteria provided, single submitter. Criteria: CeGaT Center For Human Genetics Tuebingen Variant Classification Criteria Version 2. Collection method: clinical testing. Allele origin: germline. Affected: yes. Observed: 1 variant allele.
Comment: TCF20: BP4, BP7